The following is an entry in ClinVar:

ClinVar aggregate classification (germline): Uncertain significance (1 of 4 stars; one submission).

Submission:

Ambry Genetics
Classification: Uncertain significance. Last evaluated: 2025-01-17. Review status: criteria provided, single submitter. Criteria: Ambry Variant Classification Scheme 2023. Collection method: clinical testing. Allele origin: germline.
Comment: The p.P759S variant (also known as c.2275C>T), located in coding exon 15 of the RINT1 gene, results from a C to T substitution at nucleotide position 2275. The proline at codon 759 is replaced by serine, an amino acid with similar properties. This amino acid position is conserved. In addition, this alteration is predicted to be tolerated by in silico analysis. Based on the available evidence, the clinical significance of this variant remains unclear.

NM_021930.6(RINT1):c.2275C>T (p.Pro759Ser)

Genes: EFCAB10 (EF-hand calcium binding domain 10; minus strand), RINT1 (RAD50 interactor 1; plus strand). Cytogenetic location: 7q22.3.
Variant type: single nucleotide variant.
Coding change: c.2275C>T on transcript NM_021930.6 (MANE Select); coding-DNA position 2275, C replaced by T.
Protein change: p.Pro759Ser; replaces proline 759 with serine.
Molecular consequence: missense variant. On other transcripts: 3 prime UTR variant (2), non-coding transcript variant (1), intron variant (3).
Genome position (GRCh38, 1-based): chr7:105,567,207, C>T. VCF-style: chr7-105567207-C-T. GRCh37 (hg19) VCF-style: chr7-105207654-C-T.
Other names: c.*247G>A (NM_001355527.2, NM_001355529.2); c.2041C>T, p.Pro681Ser (NM_001346599.2); c.1252C>T, p.Pro418Ser (NM_001346600.2, NM_001346603.2); c.1351C>T, p.Pro451Ser (NM_001346601.2); c.360-1760G>A (NM_001355531.2); c.383+260G>A (NM_001355526.2, NM_001355530.2); short protein forms P418S, P451S, P681S, P759S.
Identifiers: ClinVar variation 3789219 (VCV003789219.1).
Genomic context (GRCh38, chr7:105,567,207, plus strand): 5'-TTGAACGTCGGTTCTGCACTACTGCTGAAAGATGTACTGCAGTCAGCTTCAGGGCAGCTT[C>T]CTGCCACAGCAGCATTAAATGAAGTTGGAATTTACAAACTGGCTCAACAAGATGTTGAGA-3'
Protein context (NP_068749.3, residues 749-769): DVLQSASGQL[Pro759Ser]ATAALNEVGI